The following is an entry in ClinVar:

ClinVar aggregate classification (germline): Uncertain significance. Review status: criteria provided, multiple submitters, no conflicts (2 of 4 stars). 2 submissions from 2 submitters: Uncertain significance (2). Last evaluated 2024-01-02.

Conditions:
Inborn genetic diseases. Identifiers: MedGen C0950123, MeSH D030342.

Allele frequency attached by ClinVar (database versions not stated): gnomAD 0.00001; ExAC 0.00002; TOPMed 0.00003.
gnomAD v4.1: 9 of 1,606,114 alleles (0.00056%); highest among the groups gnomAD compares: Middle Eastern, 0.017%; no homozygotes.

Submissions (2):

Labcorp Genetics (formerly Invitae), Labcorp
Classification: Uncertain significance. Last evaluated: 2024-01-02. Review status: criteria provided, single submitter. Criteria: Invitae Variant Classification Sherloc (09022015). Collection method: clinical testing. Allele origin: germline.
Comment: This sequence change replaces aspartic acid, which is acidic and polar, with valine, which is neutral and non-polar, at codon 180 of the TSPEAR protein (p.Asp180Val). This variant is present in population databases (rs781821217, gnomAD 0.03%). This variant has not been reported in the literature in individuals affected with TSPEAR-related conditions. ClinVar contains an entry for this variant (Variation ID: 2531029). Advanced modeling of protein sequence and biophysical properties (such as structural, functional, and spatial information, amino acid conservation, physicochemical variation, residue mobility, and thermodynamic stability) performed at Invitae indicates that this missense variant is not expected to disrupt TSPEAR protein function with a negative predictive value of 80%. In summary, the available evidence is currently insufficient to determine the role of this variant in disease. Therefore, it has been classified as a Variant of Uncertain Significance.

Ambry Genetics
Classification: Uncertain significance for Inborn genetic diseases. Last evaluated: 2023-05-03. Review status: criteria provided, single submitter. Criteria: Ambry Variant Classification Scheme 2023. Collection method: clinical testing. Allele origin: germline.

NM_144991.3(TSPEAR):c.539A>T (p.Asp180Val)

Gene: TSPEAR (thrombospondin type laminin G domain and EAR repeats; minus strand). Cytogenetic location: 21q22.3.
Variant type: single nucleotide variant.
Coding change: c.539A>T on transcript NM_144991.3 (MANE Select); coding-DNA position 539, A replaced by T.
Protein change: p.Asp180Val; replaces aspartic acid 180 with valine.
Molecular consequence: missense variant.
Genome position (GRCh38, 1-based): chr21:44,533,688, T>A on the plus strand (A>T on the coding strand, the complement: TSPEAR is on the minus strand). VCF-style: chr21-44533688-T-A. GRCh37 (hg19) VCF-style: chr21-45953571-T-A.
Other names: c.335A>T, p.Asp112Val (NM_001272037.2); short protein forms D180V, D112V.
Identifiers: ClinVar variation 2531029 (VCV002531029.5), dbSNP rs781821217, ClinGen allele CA10056986.